The following is an entry in ClinVar:

NM_001876.4(CPT1A):c.165C>A (p.Tyr55Ter)

Gene: CPT1A (carnitine palmitoyltransferase 1A; minus strand). Cytogenetic location: 11q13.3.
Variant type: single nucleotide variant.
Coding change: c.165C>A on transcript NM_001876.4 (MANE Select); coding-DNA position 165, C replaced by A.
Protein change: p.Tyr55Ter; replaces tyrosine 55 with a stop codon.
Molecular consequence: nonsense.
Genome position (GRCh38, 1-based): chr11:68,812,553, G>T on the plus strand (C>A on the coding strand, the complement: CPT1A is on the minus strand). VCF-style: chr11-68812553-G-T. GRCh37 (hg19) VCF-style: chr11-68580021-G-T.
Other names: c.165C>A, p.Tyr55Ter (NM_001031847.3); short protein forms Y55*.
Identifiers: ClinVar variation 2087532 (VCV002087532.4), dbSNP rs1038946311, ClinGen allele CA381638147.

ClinVar aggregate classification (germline): Pathogenic (1 of 4 stars; one submission).

Conditions:
Carnitine palmitoyl transferase 1A deficiency. Also called: Carnitine palmitoyltransferase type I deficiency; Carnitine palmitoyltransferase 1A deficiency; CPT I DEFICIENCY; CPT DEFICIENCY, HEPATIC, TYPE I; CPT deficiency, hepatic, type IA. Identifiers: Orphanet 156, MedGen C1829703, MONDO:0009705, OMIM 255120.

Allele frequency attached by ClinVar (database versions not stated): gnomAD 0.00001.
gnomAD v4.1: 1 of 1,614,008 alleles (0.000062%); highest among the groups gnomAD compares: South Asian, 0.0011%; no homozygotes.

Submission:

Labcorp Genetics (formerly Invitae), Labcorp
Classification: Pathogenic for Carnitine palmitoyl transferase 1A deficiency. Last evaluated: 2022-01-26. Review status: criteria provided, single submitter. Criteria: Invitae Variant Classification Sherloc (09022015). Collection method: clinical testing. Allele origin: germline.
Comment: For these reasons, this variant has been classified as Pathogenic. This variant has not been reported in the literature in individuals affected with CPT1A-related conditions. This variant is not present in population databases (gnomAD no frequency). This sequence change creates a premature translational stop signal (p.Tyr55*) in the CPT1A gene. It is expected to result in an absent or disrupted protein product. Loss-of-function variants in CPT1A are known to be pathogenic (PMID: 16169268).

Literature cited by the submitters: PubMed 16169268.